The following is an entry in ClinVar:

NM_006005.3(WFS1):c.1786A>C (p.Lys596Gln)

Gene: WFS1 (wolframin ER transmembrane glycoprotein; plus strand). Cytogenetic location: 4p16.1.
Variant type: single nucleotide variant.
Coding change: c.1786A>C on transcript NM_006005.3 (MANE Select); coding-DNA position 1786, A replaced by C.
Protein change: p.Lys596Gln; replaces lysine 596 with glutamine.
Molecular consequence: missense variant.
Genome position (GRCh38, 1-based): chr4:6,301,581, A>C. VCF-style: chr4-6301581-A-C. GRCh37 (hg19) VCF-style: chr4-6303308-A-C.
Other names: c.1786A>C, p.Lys596Gln (NM_001145853.1); short protein forms K596Q.
Identifiers: ClinVar variation 2976544 (VCV002976544.4), dbSNP rs757393140, ClinGen allele CA2839491.

ClinVar aggregate classification (germline): Uncertain significance. Review status: criteria provided, multiple submitters, no conflicts (2 of 4 stars). 2 submissions from 2 submitters: Uncertain significance (2). Last evaluated 2025-09-04.

Allele frequency attached by ClinVar (database versions not stated): gnomAD exomes 0.00003; ExAC 0.00006.
gnomAD v4.1: 36 of 1,614,104 alleles (0.0022%); highest among the groups gnomAD compares: South Asian, 0.037%; no homozygotes.

Submissions (2):

Labcorp Genetics (formerly Invitae), Labcorp
Classification: Uncertain significance. Last evaluated: 2025-09-04. Review status: criteria provided, single submitter. Criteria: Invitae Variant Classification Sherloc (09022015). Collection method: clinical testing. Allele origin: germline.
Comment: This sequence change replaces lysine, which is basic and polar, with glutamine, which is neutral and polar, at codon 596 of the WFS1 protein (p.Lys596Gln). This variant is present in population databases (rs757393140, gnomAD 0.05%). This variant has not been reported in the literature in individuals affected with WFS1-related conditions. ClinVar contains an entry for this variant (Variation ID: 2976544). Invitae Evidence Modeling of protein sequence and biophysical properties (such as structural, functional, and spatial information, amino acid conservation, physicochemical variation, residue mobility, and thermodynamic stability) indicates that this missense variant is not expected to disrupt WFS1 protein function with a negative predictive value of 80%. In summary, the available evidence is currently insufficient to determine the role of this variant in disease. Therefore, it has been classified as a Variant of Uncertain Significance.

GeneDx
Classification: Uncertain significance. Last evaluated: 2023-10-20. Review status: criteria provided, single submitter. Criteria: GeneDx Variant Classification Process June 2021. Collection method: clinical testing. Allele origin: germline. Affected: yes.
Comment: In silico analysis supports that this missense variant does not alter protein structure/function; Has not been previously published as pathogenic or benign to our knowledge